The following is an entry in ClinVar:

NM_000501.4(ELN):c.5C>A (p.Ala2Glu)

Gene: ELN (elastin; plus strand). Cytogenetic location: 7q11.23.
Variant type: single nucleotide variant.
Coding change: c.5C>A on transcript NM_000501.4 (MANE Select); coding-DNA position 5, C replaced by A.
Protein change: p.Ala2Glu; replaces alanine 2 with glutamic acid.
Molecular consequence: missense variant.
Genome position (GRCh38, 1-based): chr7:74,028,192, C>A. VCF-style: chr7-74028192-C-A. GRCh37 (hg19) VCF-style: chr7-73442522-C-A.
Other names: c.5C>A, p.Ala2Glu (NM_001081752.3, NM_001081753.3, NM_001081754.3 and 9 more transcripts); short protein forms A2E.
Identifiers: ClinVar variation 3685955 (VCV003685955.3).
Genomic context (GRCh38, chr7:74,028,192, plus strand): 5'-TAGGCTTTGGGGATAAAACGAGGTGCGGAGAGCGGGCTGGGGCATTTCTCCCCGAGATGG[C>A]GGGTCTGACGGCGGCGGCCCCGCGGCCCGGAGTCCTCCTGCTCCTGCTGTCCATCCTCCA-3'
Protein context (NP_000492.2, residues 1-12): M[Ala2Glu]GLTAAAPRPG

ClinVar aggregate classification (germline): Conflicting classifications of pathogenicity. Review status: criteria provided, conflicting classifications (1 of 4 stars). 2 submissions from 2 submitters: Uncertain significance (1); Likely benign (1). Last evaluated 2025-02-16.

Conditions:
Supravalvar aortic stenosis (SVAS). Also called: Supravalvar aortic stenosis, Eisenberg type. Identifiers: Orphanet 3193, MedGen C0003499, MONDO:0008504, OMIM 185500, HP:0004381.

gnomAD v4.1: 29 of 1,610,760 alleles (0.0018%); highest among the groups gnomAD compares: Non-Finnish European, 0.0012%; no homozygotes.

Submissions (2):

Laboratory of Genetics, Children's Clinical University Hospital Latvia
Classification: Likely benign. Last evaluated: 2025-02-16. Review status: criteria provided, single submitter. Criteria: ACMG Guidelines, 2015. Collection method: clinical testing. Allele origin: germline. Affected: yes.

Labcorp Genetics (formerly Invitae), Labcorp
Classification: Uncertain significance for Supravalvar aortic stenosis. Last evaluated: 2024-11-30. Review status: criteria provided, single submitter. Criteria: Invitae Variant Classification Sherloc (09022015). Collection method: clinical testing. Allele origin: germline.
Comment: This sequence change replaces alanine, which is neutral and non-polar, with glutamic acid, which is acidic and polar, at codon 2 of the ELN protein (p.Ala2Glu). This variant is present in population databases (rs782766792, gnomAD 0.008%). This variant has not been reported in the literature in individuals affected with ELN-related conditions. Invitae Evidence Modeling of protein sequence and biophysical properties (such as structural, functional, and spatial information, amino acid conservation, physicochemical variation, residue mobility, and thermodynamic stability) indicates that this missense variant is not expected to disrupt ELN protein function with a negative predictive value of 80%. In summary, the available evidence is currently insufficient to determine the role of this variant in disease. Therefore, it has been classified as a Variant of Uncertain Significance.